The following is an entry in ClinVar:

NM_024757.5(EHMT1):c.1151A>C (p.Glu384Ala)

Gene: EHMT1 (euchromatic histone lysine methyltransferase 1; plus strand). Cytogenetic location: 9q34.3.
Variant type: single nucleotide variant.
Coding change: c.1151A>C on transcript NM_024757.5 (MANE Select); coding-DNA position 1151, A replaced by C.
Protein change: p.Glu384Ala; replaces glutamic acid 384 with alanine.
Molecular consequence: missense variant.
Genome position (GRCh38, 1-based): chr9:137,744,071, A>C. VCF-style: chr9-137744071-A-C. GRCh37 (hg19) VCF-style: chr9-140638523-A-C.
Other names: c.1151A>C, p.Glu384Ala (NM_001145527.2, NM_001354611.2); c.1058A>C, p.Glu353Ala (NM_001354259.2, NM_001354612.2); c.1130A>C, p.Glu377Ala (NM_001354263.2); short protein forms E377A, E384A, E353A.
Identifiers: ClinVar variation 2799958 (VCV002799958.3), dbSNP rs2541620298, ClinGen allele CA375779991.

ClinVar aggregate classification (germline): Uncertain significance (1 of 4 stars; one submission).

Conditions:
Kleefstra syndrome 1 (KLEFS1). Identifiers: Orphanet 261494, MedGen C0795833, MONDO:0027407, OMIM 610253.

Submission:

Labcorp Genetics (formerly Invitae), Labcorp
Classification: Uncertain significance for Kleefstra syndrome 1. Last evaluated: 2023-10-18. Review status: criteria provided, single submitter. Criteria: Invitae Variant Classification Sherloc (09022015). Collection method: clinical testing. Allele origin: germline.
Comment: This sequence change replaces glutamic acid, which is acidic and polar, with alanine, which is neutral and non-polar, at codon 384 of the EHMT1 protein (p.Glu384Ala). This variant is not present in population databases (gnomAD no frequency). This variant has not been reported in the literature in individuals affected with EHMT1-related conditions. Advanced modeling of protein sequence and biophysical properties (such as structural, functional, and spatial information, amino acid conservation, physicochemical variation, residue mobility, and thermodynamic stability) performed at Invitae indicates that this missense variant is not expected to disrupt EHMT1 protein function. In summary, the available evidence is currently insufficient to determine the role of this variant in disease. Therefore, it has been classified as a Variant of Uncertain Significance.